The following is an entry in ClinVar:

NM_001080.3(ALDH5A1):c.476A>G (p.Tyr159Cys)

Gene: ALDH5A1 (aldehyde dehydrogenase 5 family member A1; plus strand). Cytogenetic location: 6p22.3.
Variant type: single nucleotide variant.
Coding change: c.476A>G on transcript NM_001080.3 (MANE Select); coding-DNA position 476, A replaced by G.
Protein change: p.Tyr159Cys; replaces tyrosine 159 with cysteine.
Molecular consequence: missense variant.
Genome position (GRCh38, 1-based): chr6:24,503,300, A>G. VCF-style: chr6-24503300-A-G. GRCh37 (hg19) VCF-style: chr6-24503528-A-G.
Other names: c.476A>G, p.Tyr159Cys (NM_001368954.1, NM_170740.1); short protein forms Y159C.
Identifiers: ClinVar variation 3239375 (VCV003239375.19), dbSNP rs2532832480.

ClinVar aggregate classification (germline): Uncertain significance (1 of 4 stars; one submission).

Submission:

CeGaT Center for Human Genetics Tuebingen
Classification: Uncertain significance. Last evaluated: 2025-04-01. Review status: criteria provided, single submitter. Criteria: CeGaT Center For Human Genetics Tuebingen Variant Classification Criteria Version 2. Collection method: clinical testing. Allele origin: germline. Affected: yes. Observed: 1 variant allele.
Comment: ALDH5A1: PM2